The following is an entry in ClinVar:

NM_022114.4(PRDM16):c.1088C>T (p.Ala363Val)

Gene: PRDM16 (PR/SET domain 16; plus strand). Cytogenetic location: 1p36.32.
Variant type: single nucleotide variant.
Coding change: c.1088C>T on transcript NM_022114.4 (MANE Select); coding-DNA position 1088, C replaced by T.
Protein change: p.Ala363Val; replaces alanine 363 with valine.
Molecular consequence: missense variant.
Genome position (GRCh38, 1-based): chr1:3,405,550, C>T. VCF-style: chr1-3405550-C-T. GRCh37 (hg19) VCF-style: chr1-3322114-C-T.
Other names: c.1088C>T, p.Ala363Val (NM_199454.3); short protein forms A363V.
Identifiers: ClinVar variation 3021052 (VCV003021052.3), dbSNP rs1643548040, ClinGen allele CA338005371.

ClinVar aggregate classification (germline): Uncertain significance (1 of 4 stars; one submission).

Conditions:
Left ventricular noncompaction 8 (LVNC8). Identifiers: Orphanet 154, Orphanet 54260, MedGen C3809288, MONDO:0014152, OMIM 615373.

Submission:

Labcorp Genetics (formerly Invitae), Labcorp
Classification: Uncertain significance for Left ventricular noncompaction 8. Last evaluated: 2025-12-08. Review status: criteria provided, single submitter. Criteria: Invitae Variant Classification Sherloc (09022015). Collection method: clinical testing. Allele origin: germline.
Comment: This sequence change replaces alanine, which is neutral and non-polar, with valine, which is neutral and non-polar, at codon 363 of the PRDM16 protein (p.Ala363Val). This variant is not present in population databases (gnomAD no frequency). This variant has not been reported in the literature in individuals affected with PRDM16-related conditions. ClinVar contains an entry for this variant (Variation ID: 3021052). An algorithm developed to predict the effect of missense changes on protein structure and function (PolyPhen-2) suggests that this variant is likely to be disruptive. In summary, the available evidence is currently insufficient to determine the role of this variant in disease. Therefore, it has been classified as a Variant of Uncertain Significance.